The following is an entry in ClinVar:

ClinVar aggregate classification (germline): Likely benign (0 of 4 stars; one submission).

Conditions:
B3GALNT2-related disorder. Also called: B3GALNT2-related condition.

gnomAD v4.1: 1 of 1,605,036 alleles (0.000062%); highest among the groups gnomAD compares: Non-Finnish European, 0.000085%; no homozygotes.

Submission:

PreventionGenetics, part of Exact Sciences
Classification: Likely benign for B3GALNT2-related condition. Last evaluated: 2024-07-30. Review status: no assertion criteria provided. Collection method: clinical testing. Allele origin: germline.
Comment: This variant is classified as likely benign based on ACMG/AMP sequence variant interpretation guidelines (Richards et al. 2015 PMID: 25741868, with internal and published modifications).

NM_152490.5(B3GALNT2):c.1089C>G (p.Leu363=)

Gene: B3GALNT2 (beta-1,3-N-acetylgalactosaminyltransferase 2; minus strand). Cytogenetic location: 1q42.3.
Variant type: single nucleotide variant.
Coding change: c.1089C>G on transcript NM_152490.5 (MANE Select); coding-DNA position 1089, C replaced by G.
Protein change: p.Leu363=; no amino-acid change (leucine 363 retained).
Molecular consequence: synonymous variant.
Genome position (GRCh38, 1-based): chr1:235,455,621, G>C on the plus strand (C>G on the coding strand, the complement: B3GALNT2 is on the minus strand). VCF-style: chr1-235455621-G-C. GRCh37 (hg19) VCF-style: chr1-235618933-G-C.
Identifiers: ClinVar variation 3346648 (VCV003346648.1).